The following is an entry in ClinVar:

ClinVar aggregate classification (germline): Uncertain significance (1 of 4 stars; one submission).

Conditions:
Early-infantile DEE. Also called: Early infantile epileptic encephalopathy; Early infantile epileptic encephalopathy with suppression bursts; Ohtahara syndrome. Identifiers: Orphanet 1934, MedGen C0393706, MONDO:0800491.

gnomAD v4.1: 2 of 1,613,614 alleles (0.00012%); highest among the groups gnomAD compares: Non-Finnish European, 0.00017%; no homozygotes.

Submission:

Labcorp Genetics (formerly Invitae), Labcorp
Classification: Uncertain significance for Early-infantile DEE. Last evaluated: 2021-04-23. Review status: criteria provided, single submitter. Criteria: Invitae Variant Classification Sherloc (09022015). Collection method: clinical testing. Allele origin: germline.
Comment: In summary, the available evidence is currently insufficient to determine the role of this variant in disease. Therefore, it has been classified as a Variant of Uncertain Significance. Algorithms developed to predict the effect of missense changes on protein structure and function are either unavailable or do not agree on the potential impact of this missense change (SIFT: "Deleterious"; PolyPhen-2: "Probably Damaging"; Align-GVGD: "Class C0"). This variant has not been reported in the literature in individuals with CACNA2D2-related conditions. This variant is not present in population databases (ExAC no frequency). This sequence change replaces aspartic acid with histidine at codon 740 of the CACNA2D2 protein (p.Asp740His). The aspartic acid residue is highly conserved and there is a moderate physicochemical difference between aspartic acid and histidine.

NM_006030.4(CACNA2D2):c.2218G>C (p.Asp740His)

Genes: CACNA2D2 (calcium voltage-gated channel auxiliary subunit alpha2delta 2; minus strand), LOC101928965 (uncharacterized LOC101928965; plus strand), LOC127898564 (CYB561D2-LOC101928965; plus strand). Cytogenetic location: 3p21.31.
Variant type: single nucleotide variant.
Coding change: c.2218G>C on transcript NM_006030.4 (MANE Select); coding-DNA position 2218, G replaced by C.
Protein change: p.Asp740His; replaces aspartic acid 740 with histidine.
Molecular consequence: missense variant. On other transcripts: non-coding transcript variant (3).
Genome position (GRCh38, 1-based): chr3:50,367,828, C>G on the plus strand (G>C on the coding strand, the complement: CACNA2D2 is on the minus strand). VCF-style: chr3-50367828-C-G. GRCh37 (hg19) VCF-style: chr3-50405259-C-G.
Other names: c.2218G>C, p.Asp740His (NM_001005505.3); c.2239G>C, p.Asp747His (NM_001174051.3); c.2011G>C, p.Asp671His (NM_001291101.1); short protein forms D671H, D747H, D740H.
Identifiers: ClinVar variation 1347801 (VCV001347801.9), dbSNP rs771379215, ClinGen allele CA352914976.